The following is an entry in ClinVar:

NM_007194.4(CHEK2):c.1169A>T (p.Tyr390Phe)

Gene: CHEK2 (checkpoint kinase 2; minus strand). Cytogenetic location: 22q12.1.
Variant type: single nucleotide variant.
Coding change: c.1169A>T on transcript NM_007194.4 (MANE Select); coding-DNA position 1169, A replaced by T.
Protein change: p.Tyr390Phe; replaces tyrosine 390 with phenylalanine.
Molecular consequence: missense variant.
Genome position (GRCh38, 1-based): chr22:28,695,800, T>A on the plus strand (A>T on the coding strand, the complement: CHEK2 is on the minus strand). VCF-style: chr22-28695800-T-A. GRCh37 (hg19) VCF-style: chr22-29091788-T-A.
Other names: c.1298A>T, p.Tyr433Phe (NM_001005735.3); c.506A>T, p.Tyr169Phe (NM_001257387.3); c.968A>T, p.Tyr323Phe (NM_001349956.3); c.1082A>T, p.Tyr361Phe (NM_145862.3); short protein forms Y361F, Y433F, Y169F, Y323F, Y390F.
Identifiers: ClinVar variation 841211 (VCV000841211.13), dbSNP rs200928781, ClinGen allele CA323005920.
Genomic context (GRCh38, chr22:28,695,800, plus strand): 5'-CAGTCCACAGCACGGTTATACCCAGCAGTCCCAACAGAAACAAGAACTTCAGGCGCCAAG[T>A]AGGTGGGGGTTCCACATAAGGTTCTCATGAGAGAGGTCTCTCCCAAAATCTTGGAGTGCC-3'
Protein context (NP_009125.1, residues 380-400): LMRTLCGTPT[Tyr390Phe]LAPEVLVSVG

ClinVar aggregate classification (germline): Uncertain significance. Review status: criteria provided, multiple submitters, no conflicts (2 of 4 stars). 2 submissions from 2 submitters: Uncertain significance (2). Last evaluated 2025-01-14.

Conditions:
Hereditary cancer-predisposing syndrome. Also called: Hereditary Cancer Syndrome; Hereditary neoplastic syndrome; Tumor predisposition; Neoplastic Syndromes, Hereditary. Identifiers: Orphanet 140162, MedGen C0027672, MeSH D009386, MONDO:0015356.
Familial cancer of breast. Also called: hereditary breast carcinoma; BREAST CANCER, FAMILIAL; Hereditary breast cancer. Identifiers: Orphanet 227535, MedGen C0346153, MONDO:0016419, OMIM 114480. Disease mechanism: loss of function.

Allele frequency attached by ClinVar (database versions not stated): TOPMed 0.00001.
gnomAD v4.1: 1 of 1,613,294 alleles (0.000062%); highest among the groups gnomAD compares: Non-Finnish European, 0.000085%; no homozygotes.

Submissions (2):

Ambry Genetics
Classification: Uncertain significance for Hereditary cancer-predisposing syndrome. Last evaluated: 2025-01-14. Review status: criteria provided, single submitter. Criteria: Ambry Variant Classification Scheme 2023. Collection method: clinical testing. Allele origin: germline.
Comment: The p.Y390F variant (also known as c.1169A>T), located in coding exon 10 of the CHEK2 gene, results from an A to T substitution at nucleotide position 1169. The tyrosine at codon 390 is replaced by phenylalanine, an amino acid with highly similar properties. In a phosphorylation assay, this alteration showed reduced kinase activity (Guo X et al. J Biol Chem, 2010 Oct;285:33348-33357). This amino acid position is highly conserved in available vertebrate species. In addition, the in silico prediction for this alteration is inconclusive. Since supporting evidence is limited at this time, the clinical significance of this alteration remains unclear.

Labcorp Genetics (formerly Invitae), Labcorp
Classification: Uncertain significance for Familial cancer of breast. Last evaluated: 2024-07-23. Review status: criteria provided, single submitter. Criteria: Invitae Variant Classification Sherloc (09022015). Collection method: clinical testing. Allele origin: germline.
Comment: This sequence change replaces tyrosine, which is neutral and polar, with phenylalanine, which is neutral and non-polar, at codon 390 of the CHEK2 protein (p.Tyr390Phe). This variant is not present in population databases (gnomAD no frequency). This variant has not been reported in the literature in individuals affected with CHEK2-related conditions. ClinVar contains an entry for this variant (Variation ID: 841211). An algorithm developed to predict the effect of missense changes on protein structure and function (PolyPhen-2) suggests that this variant is likely to be disruptive. Experimental studies have shown that this missense change affects CHEK2 function (PMID: 20713355). This variant disrupts the p.Tyr390 amino acid residue in CHEK2. Other variant(s) that disrupt this residue have been determined to be pathogenic (PMID: 22114986, 25503501, 27553368, 27751358, 30441849, 30613976, 30851065, 32957588, 33919281, 33925588, 34903604, 35220195; Invitae). This suggests that this residue is clinically significant, and that variants that disrupt this residue are likely to be disease-causing. In summary, the available evidence is currently insufficient to determine the role of this variant in disease. Therefore, it has been classified as a Variant of Uncertain Significance.

Literature cited by the submitters: PubMed 20713355 (cited by Ambry Genetics and Labcorp Genetics (formerly Invitae), Labcorp); PubMed 22114986 (cited by Labcorp Genetics (formerly Invitae), Labcorp); PubMed 25503501 (cited by Labcorp Genetics (formerly Invitae), Labcorp); PubMed 27553368 (cited by Labcorp Genetics (formerly Invitae), Labcorp); PubMed 27751358 (cited by Labcorp Genetics (formerly Invitae), Labcorp); PubMed 30441849 (cited by Labcorp Genetics (formerly Invitae), Labcorp); PubMed 30613976 (cited by Labcorp Genetics (formerly Invitae), Labcorp); PubMed 30851065 (cited by Labcorp Genetics (formerly Invitae), Labcorp); PubMed 32957588 (cited by Labcorp Genetics (formerly Invitae), Labcorp); PubMed 33919281 (cited by Labcorp Genetics (formerly Invitae), Labcorp); PubMed 33925588 (cited by Labcorp Genetics (formerly Invitae), Labcorp); PubMed 34903604 (cited by Labcorp Genetics (formerly Invitae), Labcorp); PubMed 35220195 (cited by Labcorp Genetics (formerly Invitae), Labcorp).